The following is an entry in ClinVar:

ClinVar aggregate classification (germline): Uncertain significance (1 of 4 stars; one submission).

Conditions:
DNA ligase IV deficiency. Identifiers: Orphanet 99812, MedGen C1847827, MONDO:0011686, OMIM 606593.

Submission:

Labcorp Genetics (formerly Invitae), Labcorp
Classification: Uncertain significance for Lig4 syndrome. Last evaluated: 2019-09-26. Review status: criteria provided, single submitter. Criteria: Invitae Variant Classification Sherloc (09022015). Collection method: clinical testing. Allele origin: germline.
Comment: This sequence change replaces serine with asparagine at codon 178 of the LIG4 protein (p.Ser178Asn). The serine residue is moderately conserved and there is a small physicochemical difference between serine and asparagine. This variant is not present in population databases (ExAC no frequency). This variant has not been reported in the literature in individuals with LIG4-related conditions. Algorithms developed to predict the effect of missense changes on protein structure and function (SIFT, PolyPhen-2, Align-GVGD) all suggest that this variant is likely to be tolerated, but these predictions have not been confirmed by published functional studies and their clinical significance is uncertain. In summary, the available evidence is currently insufficient to determine the role of this variant in disease. Therefore, it has been classified as a Variant of Uncertain Significance.

NM_206937.2(LIG4):c.533G>A (p.Ser178Asn)

Gene: LIG4 (DNA ligase 4; minus strand). Cytogenetic location: 13q33.3.
Variant type: single nucleotide variant.
Coding change: c.533G>A on transcript NM_206937.2 (MANE Select); coding-DNA position 533, G replaced by A.
Protein change: p.Ser178Asn; replaces serine 178 with asparagine.
Molecular consequence: missense variant.
Genome position (GRCh38, 1-based): chr13:108,210,736, C>T on the plus strand (G>A on the coding strand, the complement: LIG4 is on the minus strand). VCF-style: chr13-108210736-C-T. GRCh37 (hg19) VCF-style: chr13-108863084-C-T.
Other names: c.533G>A, p.Ser178Asn (NM_002312.3, NM_001098268.2, NM_001352598.2 and 6 more transcripts); c.332G>A, p.Ser111Asn (NM_001330595.2); c.569G>A, p.Ser190Asn (NM_001352604.2); short protein forms S190N, S111N, S178N.
Identifiers: ClinVar variation 957854 (VCV000957854.1), dbSNP rs1878561624, ClinGen allele CA388621465.
Genomic context (GRCh38, chr13:108,210,736, plus strand): 5'-ACACCAAGCTTTAAATCCTTTATGATCATCCGTATAAGCCACTTTTGCTCAAGTGCTGAA[C>T]TCTGAGTTATAAGTTGAAGAAGGCTCTTTTTTATTAGGTCTTTTCTTTTAGCAGAATTAT-3'
Protein context (NP_996820.1, residues 168-188): KKSLLQLITQ[Ser178Asn]SALEQKWLIR